The following is an entry in ClinVar:

NM_004006.3(DMD):c.4914_4915del (p.Lys1639fs)

Gene: DMD (dystrophin; minus strand). Cytogenetic location: Xp21.1.
Variant type: Deletion.
Coding change: c.4914_4915del on transcript NM_004006.3 (MANE Select); coding-DNA positions 4914 to 4915, 2 bases deleted (GA; older notation c.4914_4915delGA).
Protein change: p.Lys1639fs; shifts the reading frame from lysine 1639.
Molecular consequence: frameshift variant.
Genome position (GRCh38, 1-based): chrX:32,365,130-32,365,131, TC deleted on the plus strand (GA on the coding strand, the reverse complement: DMD is on the minus strand). VCF-style (leftmost placement, unchanged base first): chrX-32365129-TTC-T. GRCh37 (hg19) VCF-style: chrX-32383246-TTC-T.
Other names: c.4890_4891del, p.Lys1631fs (NM_000109.4); c.4902_4903del, p.Lys1635fs (NM_004009.3); c.4545_4546del, p.Lys1516fs (NM_004010.3); c.891_892del, p.Lys298fs (NM_004011.4); c.882_883del, p.Lys295fs (NM_004012.4); short protein forms K1516fs, K1631fs, K1635fs, K1639fs, K295fs, K298fs.
Identifiers: ClinVar variation 849051 (VCV000849051.8), dbSNP rs2097850041, ClinGen allele CA916081257.

ClinVar aggregate classification (germline): Pathogenic (1 of 4 stars; one submission).

Conditions:
Duchenne muscular dystrophy (DMD). Also called: Duchenne Muscular Dystrophy (DMD); MUSCULAR DYSTROPHY, PSEUDOHYPERTROPHIC PROGRESSIVE, DUCHENNE TYPE. Identifiers: Orphanet 98896, MedGen C0013264, MONDO:0010679, OMIM 310200.

Submission:

Labcorp Genetics (formerly Invitae), Labcorp
Classification: Pathogenic for Duchenne muscular dystrophy. Last evaluated: 2020-08-14. Review status: criteria provided, single submitter. Criteria: Invitae Variant Classification Sherloc (09022015). Collection method: clinical testing. Allele origin: germline.
Comment: For these reasons, this variant has been classified as Pathogenic. Loss-of-function variants in DMD are known to be pathogenic (PMID: 16770791, 25007885). This variant has not been reported in the literature in individuals with DMD-related conditions. ClinVar contains an entry for this variant (Variation ID: 849051). This variant is not present in population databases (ExAC no frequency). This sequence change creates a premature translational stop signal (p.Lys1639Asnfs*13) in the DMD gene. It is expected to result in an absent or disrupted protein product.

Literature cited by the submitters: PubMed 16770791; PubMed 25007885.